The following is an entry in ClinVar:

NM_182916.3(TRNT1):c.671C>T (p.Ala224Val)

Gene: TRNT1 (tRNA nucleotidyl transferase 1; plus strand). Cytogenetic location: 3p26.2.
Variant type: single nucleotide variant.
Coding change: c.671C>T on transcript NM_182916.3 (MANE Select); coding-DNA position 671, C replaced by T.
Protein change: p.Ala224Val; replaces alanine 224 with valine.
Molecular consequence: missense variant. On other transcripts: non-coding transcript variant (6).
Genome position (GRCh38, 1-based): chr3:3,146,492, C>T. VCF-style: chr3-3146492-C-T. GRCh37 (hg19) VCF-style: chr3-3188176-C-T.
Other names: c.671C>T, p.Ala224Val (NM_001302946.2, NM_001367321.1, NM_001367322.1 and 1 more transcripts); short protein forms A224V.
Identifiers: ClinVar variation 1356033 (VCV001356033.6), dbSNP rs2126034803, ClinGen allele CA351447055.

ClinVar aggregate classification (germline): Uncertain significance (1 of 4 stars; one submission).

Conditions:
Congenital sideroblastic anemia-B-cell immunodeficiency-periodic fever-developmental delay syndrome. Also called: Sideroblastic anemia with B-cell immunodeficiency, periodic fevers, and developmental delay. Identifiers: Orphanet 369861, MedGen C4015172, MONDO:0014487, OMIM 616084.

Allele frequency attached by ClinVar (database versions not stated): gnomAD exomes below 0.00001.
gnomAD v4.1: 1 of 1,613,746 alleles (0.000062%); highest among the groups gnomAD compares: Non-Finnish European, 0.000085%; no homozygotes.

Submission:

Labcorp Genetics (formerly Invitae), Labcorp
Classification: Uncertain significance for Congenital sideroblastic anemia-B-cell immunodeficiency-periodic fever-developmental delay syndrome. Last evaluated: 2021-12-03. Review status: criteria provided, single submitter. Criteria: Invitae Variant Classification Sherloc (09022015). Collection method: clinical testing. Allele origin: germline.
Comment: This sequence change replaces alanine, which is neutral and non-polar, with valine, which is neutral and non-polar, at codon 224 of the TRNT1 protein (p.Ala224Val). This variant is not present in population databases (gnomAD no frequency). This variant has not been reported in the literature in individuals affected with TRNT1-related conditions. Algorithms developed to predict the effect of missense changes on protein structure and function (SIFT, PolyPhen-2, Align-GVGD) all suggest that this variant is likely to be tolerated. In summary, the available evidence is currently insufficient to determine the role of this variant in disease. Therefore, it has been classified as a Variant of Uncertain Significance.